The following is an entry in ClinVar:

ClinVar aggregate classification (germline): Uncertain significance (1 of 4 stars; one submission).

Conditions:
Hereditary sensory and autonomic neuropathy type 7. Also called: Neuropathy, hereditary sensory and autonomic, type VII; HSAN VII. Identifiers: Orphanet 391397, MedGen C3809882, MONDO:0014244, OMIM 615548.
Familial episodic pain syndrome with predominantly lower limb involvement. Also called: Episodic pain syndrome, familial, 3. Identifiers: Orphanet 391384, Orphanet 391392, MedGen C3809899, MONDO:0014247, OMIM 615552.

Allele frequency attached by ClinVar (database versions not stated): ExAC 0.00002; gnomAD exomes 0.00003 and 0.00010; TOPMed 0.00013; gnomAD 0.00022 and 0.00024.
gnomAD v4.1: 72 of 1,613,786 alleles (0.0045%); highest among the groups gnomAD compares: Admixed American, 0.077%; no homozygotes.

Submission:

Labcorp Genetics (formerly Invitae), Labcorp
Classification: Uncertain significance for Familial episodic pain syndrome with predominantly lower limb involvement; Hereditary sensory and autonomic neuropathy type 7. Last evaluated: 2025-03-03. Review status: criteria provided, single submitter. Criteria: Invitae Variant Classification Sherloc (09022015). Collection method: clinical testing. Allele origin: germline.
Comment: This sequence change creates a premature translational stop signal (p.Arg1745*) in the SCN11A gene. While this is not anticipated to result in nonsense mediated decay, it is expected to disrupt the last 47 amino acid(s) of the SCN11A protein. This variant is present in population databases (rs747783198, gnomAD 0.04%), and has an allele count higher than expected for a pathogenic variant. This variant has not been reported in the literature in individuals affected with SCN11A-related conditions. ClinVar contains an entry for this variant (Variation ID: 956120). Experimental studies and prediction algorithms are not available or were not evaluated, and the functional significance of this variant is currently unknown. In summary, the available evidence is currently insufficient to determine the role of this variant in disease. Therefore, it has been classified as a Variant of Uncertain Significance.

NM_001349253.2(SCN11A):c.5233C>T (p.Arg1745Ter)

Gene: SCN11A (sodium voltage-gated channel alpha subunit 11; minus strand). Cytogenetic location: 3p22.2.
Variant type: single nucleotide variant.
Coding change: c.5233C>T on transcript NM_001349253.2 (MANE Select); coding-DNA position 5233, C replaced by T.
Protein change: p.Arg1745Ter; replaces arginine 1745 with a stop codon.
Molecular consequence: nonsense.
Genome position (GRCh38, 1-based): chr3:38,846,837, G>A on the plus strand (C>T on the coding strand, the complement: SCN11A is on the minus strand). VCF-style: chr3-38846837-G-A. GRCh37 (hg19) VCF-style: chr3-38888328-G-A.
Other names: c.5233C>T, p.Arg1745Ter (NM_014139.3); short protein forms R1745*.
Identifiers: ClinVar variation 956120 (VCV000956120.5), dbSNP rs747783198, ClinGen allele CA2321367.
Genomic context (GRCh38, chr3:38,846,837, plus strand): 5'-CGTTTTCCAAGTCATTTTGGTCACCTTGGTCACCCTTGGTCACCTTCATCATGTACTTTC[G>A]AAAGGCCTTTTGAATAATAGCAGCACCTCTTTCCTCTTCCTTTCTCTTGGTGGTGGTGAC-3'